The following is an entry in ClinVar:

ClinVar aggregate classification (germline): Likely benign. Review status: criteria provided, single submitter (1 of 4 stars). 2 submissions from 2 submitters: Likely benign (1). 1 of the submissions does not count toward it. Last evaluated 2022-03-04.

Conditions:
NCAPD3-related disorder. Also called: NCAPD3-related condition.

Allele frequency attached by ClinVar (database versions not stated): gnomAD exomes 0.00012; ExAC 0.00043; 1000 Genomes Project 30x 0.00109; 1000 Genomes Project 0.00120; gnomAD 0.00121; TOPMed 0.00139; ESP Exome Variant Server 0.00146.

Submissions (2):

Blueprint Genetics
Classification: Likely benign. Last evaluated: 2022-03-04. Review status: criteria provided, single submitter. Criteria: ACMG Guidelines, 2015. Collection method: clinical testing. Allele origin: germline.

PreventionGenetics, part of Exact Sciences
Classification: Likely benign for NCAPD3-related condition. Last evaluated: 2019-08-27. Review status: no assertion criteria provided. Collection method: clinical testing. Allele origin: germline. Not counted in ClinVar's aggregate classification.
Comment: This variant is classified as likely benign based on ACMG/AMP sequence variant interpretation guidelines (Richards et al. 2015 PMID: 25741868, with internal and published modifications).

NM_015261.3(NCAPD3):c.2394T>A (p.Ala798=)

Gene: NCAPD3 (non-SMC condensin II complex subunit D3; minus strand). Cytogenetic location: 11q25.
Variant type: single nucleotide variant.
Coding change: c.2394T>A on transcript NM_015261.3 (MANE Select); coding-DNA position 2394, T replaced by A.
Protein change: p.Ala798=; no amino-acid change (alanine 798 retained).
Molecular consequence: synonymous variant.
Genome position (GRCh38, 1-based): chr11:134,184,694, A>T on the plus strand (T>A on the coding strand, the complement: NCAPD3 is on the minus strand). VCF-style: chr11-134184694-A-T. GRCh37 (hg19) VCF-style: chr11-134054589-A-T.
Other names: c.2394T>A, p.Ala798= (NM_001372065.1, NM_001372068.1); c.1980T>A, p.Ala660= (NM_001372069.1, NM_001372070.1).
Identifiers: ClinVar variation 3053702 (VCV003053702.3), dbSNP rs61752297, ClinGen allele CA6371307.